The following is an entry in ClinVar:

ClinVar aggregate classification (germline): Benign. Review status: criteria provided, multiple submitters, no conflicts (2 of 4 stars). 8 submissions from 8 submitters: Benign (7). 1 of the submissions does not count toward it. Last evaluated 2026-02-03.

Conditions:
Early-infantile DEE. Also called: Ohtahara syndrome; Early infantile epileptic encephalopathy with suppression bursts; Early infantile epileptic encephalopathy. Identifiers: Orphanet 1934, MedGen C0393706, MONDO:0800491.

Allele frequency attached by ClinVar (database versions not stated): 1000 Genomes Project 0.02137; 1000 Genomes Project 30x 0.02186; TOPMed 0.03885; gnomAD 0.04361 and 0.04438; ESP Exome Variant Server 0.04383; gnomAD exomes 0.04566 and 0.05974; ExAC 0.04617.
gnomAD v4.1: 93,529 of 1,614,058 alleles (5.8%); highest among the groups gnomAD compares: Non-Finnish European, 6.7%; 3,083 homozygotes.

Submissions (8):

Labcorp Genetics (formerly Invitae), Labcorp
Classification: Benign for Early-infantile DEE. Last evaluated: 2026-02-03. Review status: criteria provided, single submitter. Criteria: Invitae Variant Classification Sherloc (09022015). Collection method: clinical testing. Allele origin: germline.

Blueprint Genetics
Classification: Benign. Last evaluated: 2024-11-26. Review status: criteria provided, single submitter. Criteria: ACMG Guidelines, 2015. Collection method: clinical testing. Allele origin: germline.

Mayo Clinic Laboratories, Mayo Clinic
Classification: Benign. Last evaluated: 2018-09-25. Review status: criteria provided, single submitter. Criteria: ACMG Guidelines, 2015. Collection method: clinical testing. Allele origin: germline. Observed: 51 variant alleles.

GeneDx
Classification: Benign. Last evaluated: 2018-09-04. Review status: criteria provided, single submitter. Criteria: GeneDx Variant Classification Process June 2021. Collection method: clinical testing. Allele origin: germline. Affected: yes.

Athena Diagnostics
Classification: Benign. Last evaluated: 2017-06-14. Review status: criteria provided, single submitter. Criteria: Athena Diagnostics Criteria. Collection method: clinical testing. Allele origin: germline.

Breakthrough Genomics
Classification: Benign. Review status: criteria provided, single submitter. Criteria: ACMG Guidelines, 2015. Collection method: not provided. Allele origin: germline. Inheritance: Autosomal recessive inheritance. Affected: yes.

PreventionGenetics, part of Exact Sciences
Classification: Benign. Review status: criteria provided, single submitter. Criteria: ACMG Guidelines, 2015. Collection method: clinical testing. Allele origin: germline.

Genetic Services Laboratory, University of Chicago
Classification: Likely benign for AllHighlyPenetrant. Review status: no assertion criteria provided. Collection method: clinical testing. Allele origin: germline. Inheritance: Autosomal recessive inheritance. Not counted in ClinVar's aggregate classification.
Comment: Likely benign based on allele frequency in 1000 Genomes Project or ESP global frequency and its presence in a patient with a rare or unrelated disease phenotype. NOT Sanger confirmed.

NM_006279.5(ST3GAL3):c.892-9G>A

Gene: ST3GAL3 (ST3 beta-galactoside alpha-2,3-sialyltransferase 3; plus strand). Cytogenetic location: 1p34.1.
Variant type: single nucleotide variant.
Coding change: c.892-9G>A on transcript NM_006279.5 (MANE Select); 9 bases into the intron before coding-DNA position 892, G replaced by A.
Molecular consequence: intron variant.
Genome position (GRCh38, 1-based): chr1:43,920,773, G>A. VCF-style: chr1-43920773-G-A. GRCh37 (hg19) VCF-style: chr1-44386445-G-A.
Other names: p.?; c.1099-9G>A (NM_174963.5); c.937-9G>A (NM_001350619.2, NM_174964.4); c.443-9359G>A (NM_174965.4); c.*23-9359G>A (NM_001270465.3); c.555-9359G>A (NM_001270463.3); c.1054-9G>A (NM_174968.5); c.907-9359G>A (NM_001363573.2); and 13 more.
Identifiers: ClinVar variation 130375 (VCV000130375.21), dbSNP rs80055718, ClinGen allele CA155295.